The following is an entry in ClinVar:

NC_000007.14:g.2541465_2541485del

Gene: BRAT1 (BRCA1 associated ATM activator 1; minus strand). Cytogenetic location: 7p22.3.
Variant type: Deletion.
Genome position: GRCh38 VCF-style: chr7-2541457-CCTGGGGCCACGGTGAAGGGCG-C. GRCh37 (hg19) VCF-style: chr7-2581091-CCTGGGGCCACGGTGAAGGGCG-C.
Identifiers: ClinVar variation 1006264 (VCV001006264.6), dbSNP rs1779157408, ClinGen allele CA1683200341.
Genomic context (GRCh38, chr7:2,541,457, plus strand): 5'-CAGGGGCAGCCGAGCCGTCACAGAGCCGCAGGACAGTCACTGTAGCCCCCAGTAGAGACG[CCTGGGGCCACGGTGAAGGGCG>C]CTGGGGCTGCGAGGAAGAGGGCCGTCAGCCAAGGTTGCGGTCCCACTGCCGGCGTGGATG-3'

ClinVar aggregate classification (germline): Uncertain significance (1 of 4 stars; one submission).

Conditions:
Neonatal-onset encephalopathy with rigidity and seizures. Also called: Lethal neonatal spasticity-epileptic encephalopathy syndrome. Identifiers: Orphanet 435845, MedGen C3281029, MONDO:0013784, OMIM 614498.

Submission:

Labcorp Genetics (formerly Invitae), Labcorp
Classification: Uncertain significance for Neonatal-onset encephalopathy with rigidity and seizures. Last evaluated: 2021-08-27. Review status: criteria provided, single submitter. Criteria: Invitae Variant Classification Sherloc (09022015). Collection method: clinical testing. Allele origin: germline.
Comment: This variant, c.1141_1161del, results in the deletion of 7 amino acid(s) of the BRAT1 protein (p.Arg381_Gln387del), but otherwise preserves the integrity of the reading frame. The frequency data for this variant in the population databases is considered unreliable, as metrics indicate insufficient coverage at this position in the ExAC database. This variant has not been reported in the literature in individuals affected with BRAT1-related conditions. Experimental studies and prediction algorithms are not available or were not evaluated, and the functional significance of this variant is currently unknown. In summary, the available evidence is currently insufficient to determine the role of this variant in disease. Therefore, it has been classified as a Variant of Uncertain Significance.